The following is an entry in ClinVar:

ClinVar aggregate classification (germline): Uncertain significance (1 of 4 stars; one submission).

Conditions:
Adams-Oliver syndrome 5 (AOS5). Identifiers: Orphanet 974, MedGen C4014970, MONDO:0014459, OMIM 616028.

gnomAD v4.1: 1 of 1,612,150 alleles (0.000062%); highest among the groups gnomAD compares: Non-Finnish European, 0.000085%; no homozygotes.

Submission:

Labcorp Genetics (formerly Invitae), Labcorp
Classification: Uncertain significance for Adams-Oliver syndrome 5. Last evaluated: 2025-08-06. Review status: criteria provided, single submitter. Criteria: Invitae Variant Classification Sherloc (09022015). Collection method: clinical testing. Allele origin: germline.
Comment: This sequence change replaces histidine, which is basic and polar, with aspartic acid, which is acidic and polar, at codon 2207 of the NOTCH1 protein (p.His2207Asp). This variant is not present in population databases (gnomAD no frequency). This variant has not been reported in the literature in individuals affected with NOTCH1-related conditions. Invitae Evidence Modeling of protein sequence and biophysical properties (such as structural, functional, and spatial information, amino acid conservation, physicochemical variation, residue mobility, and thermodynamic stability) indicates that this missense variant is not expected to disrupt NOTCH1 protein function with a negative predictive value of 80%. In summary, the available evidence is currently insufficient to determine the role of this variant in disease. Therefore, it has been classified as a Variant of Uncertain Significance.

NM_017617.5(NOTCH1):c.6619C>G (p.His2207Asp)

Gene: NOTCH1 (notch receptor 1; minus strand). Cytogenetic location: 9q34.3.
Variant type: single nucleotide variant.
Coding change: c.6619C>G on transcript NM_017617.5 (MANE Select); coding-DNA position 6619, C replaced by G.
Protein change: p.His2207Asp; replaces histidine 2207 with aspartic acid.
Molecular consequence: missense variant.
Genome position (GRCh38, 1-based): chr9:136,497,120, G>C on the plus strand (C>G on the coding strand, the complement: NOTCH1 is on the minus strand). VCF-style: chr9-136497120-G-C. GRCh37 (hg19) VCF-style: chr9-139391572-G-C.
Other names: short protein forms H2207D.
Identifiers: ClinVar variation 4759776 (VCV004759776.1).
Genomic context (GRCh38, chr9:136,497,120, plus strand): 5'-GAGACTGCTGGAACGGGGAGGGCAGCAGTGGCGGCGAGGCCACGTCTGACAGGTAGCCAT[G>C]GGGTGACTCCAGGGAGTCCACGGGCGAGAGCATGCCGGAGCTGTCCAGCAGGCAGCCCTT-3'
Protein context (NP_060087.3, residues 2197-2217): LSPVDSLESP[His2207Asp]GYLSDVASPP